The following is an entry in ClinVar:

ClinVar aggregate classification (germline): Likely benign. Review status: criteria provided, single submitter (1 of 4 stars). 2 submissions from 2 submitters: Likely benign (1). 1 of the submissions does not count toward it. Last evaluated 2024-06-01.

Conditions:
GRIA4-related disorder. Also called: GRIA4-related condition.

Allele frequency attached by ClinVar (database versions not stated): 1000 Genomes Project 30x 0.00016; 1000 Genomes Project 0.00020; ExAC 0.00025; gnomAD 0.00034; TOPMed 0.00034; ESP Exome Variant Server 0.00046; gnomAD exomes 0.00051.
gnomAD v4.1: 799 of 1,613,636 alleles (0.05%); highest among the groups gnomAD compares: Non-Finnish European, 0.063%; no homozygotes.

Submissions (2):

CeGaT Center for Human Genetics Tuebingen
Classification: Likely benign. Last evaluated: 2024-06-01. Review status: criteria provided, single submitter. Criteria: CeGaT Center For Human Genetics Tuebingen Variant Classification Criteria Version 2. Collection method: clinical testing. Allele origin: germline. Affected: yes. Observed: 5 variant alleles.
Comment: GRIA4: BP4, BP7

PreventionGenetics, part of Exact Sciences
Classification: Likely benign for GRIA4-related condition. Last evaluated: 2019-06-06. Review status: no assertion criteria provided. Collection method: clinical testing. Allele origin: germline. Not counted in ClinVar's aggregate classification.
Comment: This variant is classified as likely benign based on ACMG/AMP sequence variant interpretation guidelines (Richards et al. 2015 PMID: 25741868, with internal and published modifications).

NM_000829.4(GRIA4):c.312T>C (p.His104=)

Gene: GRIA4 (glutamate ionotropic receptor AMPA type subunit 4; plus strand). Cytogenetic location: 11q22.3.
Variant type: single nucleotide variant.
Coding change: c.312T>C on transcript NM_000829.4 (MANE Select); coding-DNA position 312, T replaced by C.
Protein change: p.His104=; no amino-acid change (histidine 104 retained).
Molecular consequence: synonymous variant. On other transcripts: non-coding transcript variant (1).
Genome position (GRCh38, 1-based): chr11:105,753,045, T>C. VCF-style: chr11-105753045-T-C. GRCh37 (hg19) VCF-style: chr11-105623771-T-C.
Other names: c.312T>C, p.His104= (NM_001077243.3, NM_001077244.2, NM_001112812.2); c.312T>C (NM_000829.3).
Identifiers: ClinVar variation 2642332 (VCV002642332.25), dbSNP rs149711489, ClinGen allele CA6258343.
Genomic context (GRCh38, chr11:105,753,045, plus strand): 5'-TTCCCAGTATTCTAGAGGAGTATTTGCCATTTTTGGACTCTATGATAAGAGGTCGGTACA[T>C]ACCTTGACCTCATTCTGCAGCGCCTTACATATCTCCCTCATCACACCAAGTTTCCCTACT-3'
Protein context (NP_000820.4, residues 94-114): IFGLYDKRSV[His104=]TLTSFCSALH